The following is an entry in ClinVar:

ClinVar aggregate classification (germline): Conflicting classifications of pathogenicity. Review status: criteria provided, conflicting classifications (1 of 4 stars). 9 submissions from 9 submitters: Uncertain significance (1); Benign (1); Likely benign (6). 1 of the submissions does not count toward it. Last evaluated 2026-02-04.

Conditions:
Autosomal recessive nonsyndromic hearing loss 77. Identifiers: Orphanet 90636, MedGen C2746083, MONDO:0013119, OMIM 613079.

Allele frequency attached by ClinVar (database versions not stated): gnomAD exomes 0.00052 and 0.00103; gnomAD 0.00068 and 0.00069; TOPMed 0.00082; ESP Exome Variant Server 0.00088; ExAC 0.00106; 1000 Genomes Project 30x 0.00031.
gnomAD v4.1: 877 of 1,551,706 alleles (0.057%); highest among the groups gnomAD compares: Middle Eastern, 0.17%; 3 homozygotes.

Submissions (9):

Labcorp Genetics (formerly Invitae), Labcorp
Classification: Likely benign. Last evaluated: 2026-02-04. Review status: criteria provided, single submitter. Criteria: Invitae Variant Classification Sherloc (09022015). Collection method: clinical testing. Allele origin: germline.

CeGaT Center for Human Genetics Tuebingen
Classification: Likely benign. Last evaluated: 2025-02-01. Review status: criteria provided, single submitter. Criteria: CeGaT Center For Human Genetics Tuebingen Variant Classification Criteria Version 2. Collection method: clinical testing. Allele origin: germline. Affected: yes. Observed: 2 variant alleles.
Comment: LOXHD1: BP4, BP7

Mayo Clinic Laboratories, Mayo Clinic
Classification: Likely benign. Last evaluated: 2024-11-26. Review status: criteria provided, single submitter. Criteria: ACMG Guidelines, 2015. Collection method: clinical testing. Allele origin: germline. Observed: 2 variant alleles.
Comment: BP4, BP7

Blueprint Genetics
Classification: Likely benign. Last evaluated: 2024-11-20. Review status: criteria provided, single submitter. Criteria: ACMG Guidelines, 2015. Collection method: clinical testing. Allele origin: germline.

GeneDx
Classification: Likely benign. Last evaluated: 2018-01-24. Review status: criteria provided, single submitter. Criteria: GeneDx Variant Classification (06012015). Collection method: clinical testing. Allele origin: germline. Affected: yes.
Comment: This variant is considered likely benign or benign based on one or more of the following criteria: it is a conservative change, it occurs at a poorly conserved position in the protein, it is predicted to be benign by multiple in silico algorithms, and/or has population frequency not consistent with disease.

Illumina Laboratory Services, Illumina
Classification: Uncertain significance for Autosomal recessive nonsyndromic hearing loss 77. Last evaluated: 2017-04-27. Review status: criteria provided, single submitter. Criteria: ICSL Variant Classification Criteria 13 December 2019. Collection method: clinical testing. Allele origin: germline.

Eurofins Ntd Llc (ga)
Classification: Benign. Last evaluated: 2017-03-30. Review status: criteria provided, single submitter. Criteria: EGL Classification Definitions 2015. Collection method: clinical testing. Allele origin: germline. Observed: 1 variant allele, 1 heterozygote.

Laboratory for Molecular Medicine, Mass General Brigham Personalized Medicine
Classification: Likely benign. Last evaluated: 2015-04-30. Review status: criteria provided, single submitter. Criteria: LMM Criteria. Collection method: clinical testing. Allele origin: germline. Observed: 6 variant alleles.
Comment: p.Lys1889Lys in exon 36 of LOXHD1: This variant is not expected to have clinical significance because it does not alter an amino acid residue, is not located wi thin the splice consensus sequence, and has been identified in 0.2% (21/8750) of European chromosomes by the Exome Aggregation Consortium (ExAC; dbSNP s201366522).

Natera, Inc.
Classification: Likely benign for Autosomal recessive deafness type 77. Last evaluated: 2020-09-16. Review status: no assertion criteria provided. Collection method: clinical testing. Allele origin: germline. Not counted in ClinVar's aggregate classification.

NM_001384474.1(LOXHD1):c.5853G>A (p.Lys1951=)

Gene: LOXHD1 (lipoxygenase homology PLAT domains 1; minus strand). Cytogenetic location: 18q21.1.
Variant type: single nucleotide variant.
Coding change: c.5853G>A on transcript NM_001384474.1 (MANE Select); coding-DNA position 5853, G replaced by A.
Protein change: p.Lys1951=; no amino-acid change (lysine 1951 retained).
Molecular consequence: synonymous variant.
Genome position (GRCh38, 1-based): chr18:46,505,863, C>T on the plus strand (G>A on the coding strand, the complement: LOXHD1 is on the minus strand). VCF-style: chr18-46505863-C-T. GRCh37 (hg19) VCF-style: chr18-44085826-C-T.
Other names: p.Lys1889=; c.2520G>A, p.Lys840= (NM_001145472.3); c.570G>A, p.Lys190= (NM_001145473.3, NM_001173129.2); c.2232G>A, p.Lys744= (NM_001308013.2); c.5667G>A, p.Lys1889= (NM_144612.7).
Identifiers: ClinVar variation 47947 (VCV000047947.50), dbSNP rs201366522, ClinGen allele CA142238.
Genomic context (GRCh38, chr18:46,505,863, plus strand): 5'-GCCCTCCCACCAACCTGGCCTTGAGTGGGAGCTACCTTTGTTGTCGTGCCAGACCCTCAG[C>T]TTGCAGAGGTGGCCCAAGCTCAGCATGTCAGGGAAGTTGAATGTGTCCGTGTTGTTCCGC-3'
Protein context (NP_001371403.1, residues 1941-1961): PDMLSLGHLC[Lys1951=]LRVWHDNKGI